The following is an entry in ClinVar:

ClinVar aggregate classification (germline): Pathogenic (1 of 4 stars; one submission).

Conditions:
Mucolipidosis type IV (ML4). Also called: ML IV. Identifiers: Orphanet 578, MedGen C0238286, MONDO:0009653, OMIM 252650.

Submission:

Labcorp Genetics (formerly Invitae), Labcorp
Classification: Pathogenic for Mucolipidosis type IV. Last evaluated: 2023-06-13. Review status: criteria provided, single submitter. Criteria: Invitae Variant Classification Sherloc (09022015). Collection method: clinical testing. Allele origin: germline.
Comment: This variant has not been reported in the literature in individuals affected with MCOLN1-related conditions. For these reasons, this variant has been classified as Pathogenic. This variant is not present in population databases (gnomAD no frequency). This sequence change creates a premature translational stop signal (p.Glu346Serfs*26) in the MCOLN1 gene. It is expected to result in an absent or disrupted protein product. Loss-of-function variants in MCOLN1 are known to be pathogenic (PMID: 11030752, 11317355).

Literature cited by the submitters: PubMed 11030752; PubMed 11317355.

NM_020533.3(MCOLN1):c.1036del (p.Glu346fs)

Gene: MCOLN1 (mucolipin TRP cation channel 1; plus strand). Cytogenetic location: 19p13.2.
Variant type: Deletion.
Coding change: c.1036del on transcript NM_020533.3 (MANE Select); coding-DNA position 1036, one base deleted (G; older notation c.1036delG).
Protein change: p.Glu346fs; shifts the reading frame from glutamic acid 346.
Molecular consequence: frameshift variant.
Genome position (GRCh38, 1-based): chr19:7,528,872, G deleted; the last of 3 consecutive G bases (chr19:7,528,870-7,528,872); deleting any one gives the same sequence. VCF-style (leftmost placement, unchanged base first): chr19-7528869-TG-T. GRCh37 (hg19) VCF-style: chr19-7593755-TG-T.
Other names: short protein forms E346fs.
Identifiers: ClinVar variation 2704857 (VCV002704857.3), dbSNP rs2512472317, ClinGen allele CA2697556163.
Genomic context (GRCh38, chr19:7,528,869, plus strand): 5'-TGCCTTCTGCAGGAGTTTGTGGGGTTCATGTGGCGGCAGCGGGGACGGGTCATCAGCCTG[TG>T]GGAGCGGCTGGAATTTGTCAATGGCTGGTACATCCTGCTCGTCACCAGCGATGTGCTCAC-3'